The following is an entry in ClinVar:

NM_000444.6(PHEX):c.944dup (p.Tyr317fs)

Gene: PHEX (phosphate regulating endopeptidase X-linked; plus strand). Cytogenetic location: Xp22.11.
Variant type: Duplication.
Coding change: c.944dup on transcript NM_000444.6 (MANE Select); coding-DNA position 944, one base duplicated (T; older notation c.944dupT).
Protein change: p.Tyr317fs; shifts the reading frame from tyrosine 317.
Molecular consequence: frameshift variant.
Genome position (GRCh38, 1-based): chrX:22,099,016, T duplicated. VCF-style (leftmost placement, unchanged base first): chrX-22099015-C-CT. GRCh37 (hg19) VCF-style: chrX-22117133-C-CT.
Other names: c.944dup, p.Tyr317fs (NM_001282754.2); short protein forms Y317fs.
Identifiers: ClinVar variation 2844260 (VCV002844260.3), dbSNP rs2519779570, ClinGen allele CA2739268136.
Genomic context (GRCh38, chrX:22,099,015, plus strand): 5'-TTGCTACCTAACCGAGATTCTCTCATTCTGTTTTGTTCTCTCTCCCCTCAGTTCGACTGG[C>CT]TGGGCTACATCAAGAAGGTCATTGACACCAGACTCTACCCCCATCTGAAAGACATCAGCC-3'

ClinVar aggregate classification (germline): Pathogenic (1 of 4 stars; one submission).

Submission:

Labcorp Genetics (formerly Invitae), Labcorp
Classification: Pathogenic. Last evaluated: 2023-03-08. Review status: criteria provided, single submitter. Criteria: Invitae Variant Classification Sherloc (09022015). Collection method: clinical testing. Allele origin: germline.
Comment: For these reasons, this variant has been classified as Pathogenic. This variant has not been reported in the literature in individuals affected with PHEX-related conditions. This variant is not present in population databases (gnomAD no frequency). This sequence change creates a premature translational stop signal (p.Tyr317Leufs*7) in the PHEX gene. It is expected to result in an absent or disrupted protein product. Loss-of-function variants in PHEX are known to be pathogenic (PMID: 9097956, 9106524, 19219621).

Literature cited by the submitters: PubMed 9097956; PubMed 9106524; PubMed 19219621.